The following is an entry in ClinVar:

NM_005327.7(HADH):c.304_307dup (p.Ser103fs)

Gene: HADH (hydroxyacyl-CoA dehydrogenase; plus strand). Cytogenetic location: 4q25.
Variant type: Duplication.
Coding change: c.304_307dup on transcript NM_005327.7 (MANE Select); coding-DNA positions 304 to 307, 4 bases duplicated (ACCA; older notation c.304_307dupACCA).
Protein change: p.Ser103fs; shifts the reading frame from serine 103.
Molecular consequence: frameshift variant.
Genome position (GRCh38, 1-based): chr4:108,014,473-108,014,476, ACCA duplicated. VCF-style (leftmost placement, unchanged base first): chr4-108014472-G-GACCA. GRCh37 (hg19) VCF-style: chr4-108935628-G-GACCA.
Other names: c.304_307dup, p.Ser103fs (NM_001184705.4); c.316_319dup, p.Ser107fs (NM_001331027.2); short protein forms S107fs, S103fs.
Identifiers: ClinVar variation 2758232 (VCV002758232.3), dbSNP rs2477217032, ClinGen allele CA2671690132.
Genomic context (GRCh38, chr4:108,014,472, plus strand): 5'-CTTCCTCCCACTGCATTAGGCCGGCGATGAATTTGTGGAGAAGACCCTGAGCACCATAGC[G>GACCA]ACCAGCACGGATGCAGCCTCCGTTGTCCACAGCACAGACTTGGTGGTGGAAGCCATCGTG-3'

ClinVar aggregate classification (germline): Pathogenic (1 of 4 stars; one submission).

Conditions:
Deficiency of 3-hydroxyacyl-CoA dehydrogenase. Also called: HADH DEFICIENCY; 3-hydroxyacyl-CoA dehydrogenase deficiency. Identifiers: Orphanet 309127, Orphanet 71212, MedGen C1291230, MONDO:0017715, OMIM 231530.

Allele frequency attached by ClinVar (database versions not stated): gnomAD exomes 0.00001.

Submission:

Labcorp Genetics (formerly Invitae), Labcorp
Classification: Pathogenic for Deficiency of 3-hydroxyacyl-CoA dehydrogenase. Last evaluated: 2023-08-28. Review status: criteria provided, single submitter. Criteria: Invitae Variant Classification Sherloc (09022015). Collection method: clinical testing. Allele origin: germline.
Comment: This variant is not present in population databases (gnomAD no frequency). This sequence change creates a premature translational stop signal (p.Ser103Asnfs*39) in the HADH gene. It is expected to result in an absent or disrupted protein product. Loss-of-function variants in HADH are known to be pathogenic (PMID: 8825408). This variant has not been reported in the literature in individuals affected with HADH-related conditions. For these reasons, this variant has been classified as Pathogenic.

Literature cited by the submitters: PubMed 8825408.